The following is an entry in ClinVar:

ClinVar aggregate classification (germline): Uncertain significance. Review status: criteria provided, multiple submitters, no conflicts (2 of 4 stars). 5 submissions from 5 submitters: Uncertain significance (5). Last evaluated 2025-03-12.

Conditions:
Oculocutaneous albinism type 4 (OCA4). Also called: Albinism, oculocutaneous, type IV. Identifiers: Orphanet 79435, MedGen C1847836, MONDO:0011683, OMIM 606574.

Allele frequency attached by ClinVar (database versions not stated): TOPMed 0.00055; gnomAD exomes 0.00072 and 0.00082; 1000 Genomes Project 30x 0.00125; gnomAD 0.00053 and 0.00058; 1000 Genomes Project 0.00100; ESP Exome Variant Server 0.00054; ExAC 0.00084.

Submissions (5):

GeneDx
Classification: Uncertain significance. Last evaluated: 2025-03-12. Review status: criteria provided, single submitter. Criteria: GeneDx Variant Classification Process June 2021. Collection method: clinical testing. Allele origin: germline. Affected: yes.
Comment: Identified in the heterozygous state in families with cutaneous melanoma; however, the variant did not always segregate with affected family members, and two families also harbored a variant in the TYRP1 gene (PMID: 31233279); In silico analysis indicates that this missense variant does not alter protein structure/function; This variant is associated with the following publications: (PMID: 31233279, 27019209)

Labcorp Genetics (formerly Invitae), Labcorp
Classification: Uncertain significance. Last evaluated: 2025-01-06. Review status: criteria provided, single submitter. Criteria: Invitae Variant Classification Sherloc (09022015). Collection method: clinical testing. Allele origin: germline.
Comment: This sequence change replaces arginine, which is basic and polar, with histidine, which is basic and polar, at codon 451 of the SLC45A2 protein (p.Arg451His). This variant is present in population databases (rs142680641, gnomAD 0.2%), and has an allele count higher than expected for a pathogenic variant. This variant has not been reported in the literature in individuals affected with SLC45A2-related conditions. ClinVar contains an entry for this variant (Variation ID: 284405). Invitae Evidence Modeling of protein sequence and biophysical properties (such as structural, functional, and spatial information, amino acid conservation, physicochemical variation, residue mobility, and thermodynamic stability) indicates that this missense variant is not expected to disrupt SLC45A2 protein function with a negative predictive value of 80%. In summary, the available evidence is currently insufficient to determine the role of this variant in disease. Therefore, it has been classified as a Variant of Uncertain Significance.

Illumina Laboratory Services, Illumina
Classification: Uncertain significance for Oculocutaneous albinism type 4. Last evaluated: 2017-07-18. Review status: criteria provided, single submitter. Criteria: ICSL Variant Classification Criteria 13 December 2019. Collection method: clinical testing. Allele origin: germline.
Comment: This variant was observed as part of a predisposition screen in an ostensibly healthy population. A literature search was performed for the gene, cDNA change, and amino acid change (where applicable). Publications were found based on this search. However, the evidence from the literature, in combination with allele frequency data from public databases where available, was not sufficient to rule this variant in or out of causing disease. Therefore, this variant is classified as a variant of unknown significance.

Genetic Services Laboratory, University of Chicago
Classification: Uncertain significance. Last evaluated: 2017-06-20. Review status: criteria provided, single submitter. Criteria: ACMG Guidelines, 2015. Collection method: clinical testing. Allele origin: germline. Affected: no.

Eurofins Ntd Llc (ga)
Classification: Uncertain significance. Last evaluated: 2015-12-03. Review status: criteria provided, single submitter. Criteria: EGL Classification Definitions 2015. Collection method: clinical testing. Allele origin: germline. Observed: 1 variant allele, 1 heterozygote.

Literature cited by the submitters: PubMed 27019209 (cited by Illumina Laboratory Services, Illumina).

NM_016180.5(SLC45A2):c.1352G>A (p.Arg451His)

Gene: SLC45A2 (solute carrier family 45 member 2; minus strand). Cytogenetic location: 5p13.2.
Variant type: single nucleotide variant.
Coding change: c.1352G>A on transcript NM_016180.5 (MANE Select); coding-DNA position 1352, G replaced by A.
Protein change: p.Arg451His; replaces arginine 451 with histidine.
Molecular consequence: missense variant.
Genome position (GRCh38, 1-based): chr5:33,947,179, C>T on the plus strand (G>A on the coding strand, the complement: SLC45A2 is on the minus strand). VCF-style: chr5-33947179-C-T. GRCh37 (hg19) VCF-style: chr5-33947284-C-T.
Other names: c.1352G>A, p.Arg451His (NM_001012509.4); short protein forms R451H.
Identifiers: ClinVar variation 284405 (VCV000284405.21), dbSNP rs142680641, ClinGen allele CA3225492.